The following is an entry in ClinVar:

ClinVar aggregate classification (germline): Uncertain significance. Review status: criteria provided, multiple submitters, no conflicts (2 of 4 stars). 3 submissions from 3 submitters: Uncertain significance (3). Last evaluated 2025-11-24.

Conditions:
Hereditary cancer-predisposing syndrome. Also called: Neoplastic Syndromes, Hereditary; Tumor predisposition; Hereditary neoplastic syndrome; Hereditary Cancer Syndrome. Identifiers: Orphanet 140162, MedGen C0027672, MeSH D009386, MONDO:0015356.
Oligodontia-cancer predisposition syndrome. Also called: TOOTH AGENESIS-COLORECTAL CANCER SYNDROME. Identifiers: Orphanet 300576, MedGen C1837750, MONDO:0012075, OMIM 608615. Disease mechanism: loss of function.
Colorectal cancer. Also called: Colorectal cancer, somatic; Malignant Colorectal Neoplasm. Identifiers: MedGen C0346629, MONDO:0005575, OMIM 114500.

Allele frequency attached by ClinVar (database versions not stated): gnomAD exomes below 0.00001.

Submissions (3):

Labcorp Genetics (formerly Invitae), Labcorp
Classification: Uncertain significance for Oligodontia-cancer predisposition syndrome. Last evaluated: 2025-11-24. Review status: criteria provided, single submitter. Criteria: Invitae Variant Classification Sherloc (09022015). Collection method: clinical testing. Allele origin: germline.
Comment: This sequence change replaces glutamine, which is neutral and polar, with lysine, which is basic and polar, at codon 332 of the AXIN2 protein (p.Gln332Lys). This variant is not present in population databases (gnomAD no frequency). This variant has not been reported in the literature in individuals affected with AXIN2-related conditions. ClinVar contains an entry for this variant (Variation ID: 567438). Invitae Evidence Modeling of protein sequence and biophysical properties (such as structural, functional, and spatial information, amino acid conservation, physicochemical variation, residue mobility, and thermodynamic stability) indicates that this missense variant is not expected to disrupt AXIN2 protein function with a negative predictive value of 80%. In summary, the available evidence is currently insufficient to determine the role of this variant in disease. Therefore, it has been classified as a Variant of Uncertain Significance.

Ambry Genetics
Classification: Uncertain significance for Hereditary cancer-predisposing syndrome. Last evaluated: 2024-05-18. Review status: criteria provided, single submitter. Criteria: Ambry Variant Classification Scheme 2023. Collection method: clinical testing. Allele origin: germline.
Comment: The p.Q332K variant (also known as c.994C>A), located in coding exon 3 of the AXIN2 gene, results from a C to A substitution at nucleotide position 994. The glutamine at codon 332 is replaced by lysine, an amino acid with similar properties. This amino acid position is conserved. In addition, the in silico prediction for this alteration is inconclusive. Based on the available evidence, the clinical significance of this variant remains unclear.

Baylor Genetics
Classification: Uncertain significance for Colorectal cancer. Last evaluated: 2023-10-17. Review status: criteria provided, single submitter. Criteria: ACMG Guidelines, 2015. Collection method: clinical testing. Allele origin: unknown.

NM_004655.4(AXIN2):c.994C>A (p.Gln332Lys)

Gene: AXIN2 (axin 2; minus strand). Cytogenetic location: 17q24.1.
Variant type: single nucleotide variant.
Coding change: c.994C>A on transcript NM_004655.4 (MANE Select); coding-DNA position 994, C replaced by A.
Protein change: p.Gln332Lys; replaces glutamine 332 with lysine.
Molecular consequence: missense variant.
Genome position (GRCh38, 1-based): chr17:65,541,520, G>T on the plus strand (C>A on the coding strand, the complement: AXIN2 is on the minus strand). VCF-style: chr17-65541520-G-T. GRCh37 (hg19) VCF-style: chr17-63537638-G-T.
Other names: c.994C>A (LRG_296t1); c.994C>A, p.Gln332Lys (NM_001363813.1); short protein forms Q332K.
Identifiers: ClinVar variation 567438 (VCV000567438.10), dbSNP rs1020958689, ClinGen allele CA293100364.